The following is an entry in ClinVar:

NM_001381902.1(SAGE1):c.1366G>A (p.Val456Ile)

Gene: SAGE1 (sarcoma antigen 1; plus strand). Cytogenetic location: Xq26.3.
Variant type: single nucleotide variant.
Coding change: c.1366G>A on transcript NM_001381902.1 (MANE Select); coding-DNA position 1366, G replaced by A.
Protein change: p.Val456Ile; replaces valine 456 with isoleucine.
Molecular consequence: missense variant.
Genome position (GRCh38, 1-based): chrX:135,908,542, G>A. VCF-style: chrX-135908542-G-A. GRCh37 (hg19) VCF-style: chrX-134990701-G-A.
Other names: c.1366G>A, p.Val456Ile (NM_018666.3); short protein forms V456I.
Identifiers: ClinVar variation 2306084 (VCV002306084.5), dbSNP rs151288559, ClinGen allele CA10524164.
Genomic context (GRCh38, chrX:135,908,542, plus strand): 5'-ACCGTCAATCACCATGTCCATGAAGCAAGGATGGAAAATGGCCAACGAAAACAGGATAAC[G>A]TCTTGTCAAATGTTCTATCCGGGCTTATTAATATGGCAGGAGCTAGTATTCCAGCAATGA-3'
Protein context (NP_001368831.1, residues 446-466): MENGQRKQDN[Val456Ile]LSNVLSGLIN

ClinVar aggregate classification (germline): Uncertain significance. Review status: criteria provided, single submitter (1 of 4 stars). 2 submissions from 2 submitters: Uncertain significance (1). 1 of the submissions does not count toward it. Last evaluated 2025-01-15.

Conditions:
SAGE1-related disorder. Also called: SAGE1-related condition.

Allele frequency attached by ClinVar (database versions not stated): gnomAD exomes 0.00010; ExAC 0.00019; 1000 Genomes Project 30x 0.00021; 1000 Genomes Project 0.00026; gnomAD 0.00075; ESP Exome Variant Server 0.00076; TOPMed 0.00088.
gnomAD v4.1: 221 of 1,206,076 alleles (0.018%); highest among the groups gnomAD compares: African/African-American, 0.29%; 1 homozygote.

Submissions (2):

Ambry Genetics
Classification: Uncertain significance. Last evaluated: 2025-01-15. Review status: criteria provided, single submitter. Criteria: Ambry Variant Classification Scheme 2023. Collection method: clinical testing. Allele origin: germline.

PreventionGenetics, part of Exact Sciences
Classification: Likely benign for SAGE1-related condition. Last evaluated: 2019-02-18. Review status: no assertion criteria provided. Collection method: clinical testing. Allele origin: germline. Not counted in ClinVar's aggregate classification.
Comment: This variant is classified as likely benign based on ACMG/AMP sequence variant interpretation guidelines (Richards et al. 2015 PMID: 25741868, with internal and published modifications).